The following is an entry in ClinVar:

NM_014974.3(DIP2C):c.1574C>T (p.Thr525Met)

Gene: DIP2C (DIP2 acetate--CoA ligase C (putative); minus strand). Cytogenetic location: 10p15.3.
Variant type: single nucleotide variant.
Coding change: c.1574C>T on transcript NM_014974.3 (MANE Select); coding-DNA position 1574, C replaced by T.
Protein change: p.Thr525Met; replaces threonine 525 with methionine.
Molecular consequence: missense variant.
Genome position (GRCh38, 1-based): chr10:390,014, G>A on the plus strand (C>T on the coding strand, the complement: DIP2C is on the minus strand). VCF-style: chr10-390014-G-A. GRCh37 (hg19) VCF-style: chr10-435954-G-A.
Other names: short protein forms T525M.
Identifiers: ClinVar variation 1465496 (VCV001465496.6), dbSNP rs746544858, ClinGen allele CA5380870.
Genomic context (GRCh38, chr10:390,014, plus strand): 5'-AACCAGGGTCCCAAGGAGTCAGGGTCTGGCACCCCACCTTCCGTGTAGCCACACGCCTGC[G>A]TCAGGGCCTGGCAGTGTGTCAGCAGCGCAGTCCTCGTCACCGTCACACCCAGCACACTGC-3'
Protein context (NP_055789.1, residues 515-535): TALLTHCQAL[Thr525Met]QACGYTEAET

ClinVar aggregate classification (germline): Uncertain significance (1 of 4 stars; one submission).

Allele frequency attached by ClinVar (database versions not stated): gnomAD 0.00001 and 0.00002; TOPMed 0.00002; gnomAD exomes 0.00004; ExAC 0.00006.
gnomAD v4.1: 59 of 1,613,872 alleles (0.0037%); highest among the groups gnomAD compares: South Asian, 0.0066%; 1 homozygote.

Submission:

Labcorp Genetics (formerly Invitae), Labcorp
Classification: Uncertain significance. Last evaluated: 2022-09-25. Review status: criteria provided, single submitter. Criteria: Invitae Variant Classification Sherloc (09022015). Collection method: clinical testing. Allele origin: germline.
Comment: This variant is present in population databases (rs746544858, gnomAD 0.01%). This sequence change replaces threonine, which is neutral and polar, with methionine, which is neutral and non-polar, at codon 525 of the DIP2C protein (p.Thr525Met). In summary, the available evidence is currently insufficient to determine the role of this variant in disease. Therefore, it has been classified as a Variant of Uncertain Significance. Algorithms developed to predict the effect of missense changes on protein structure and function (SIFT, PolyPhen-2, Align-GVGD) all suggest that this variant is likely to be disruptive. ClinVar contains an entry for this variant (Variation ID: 1465496). This variant has not been reported in the literature in individuals affected with DIP2C-related conditions.